The following is an entry in ClinVar:

NM_002471.4(MYH6):c.449C>G (p.Ala150Gly)

Genes: MYH6 (myosin heavy chain 6; minus strand), LOC114827851 (VISTA enhancer hs2155; plus strand). Cytogenetic location: 14q11.2.
Variant type: single nucleotide variant.
Coding change: c.449C>G on transcript NM_002471.4 (MANE Select); coding-DNA position 449, C replaced by G.
Protein change: p.Ala150Gly; replaces alanine 150 with glycine.
Molecular consequence: missense variant.
Genome position (GRCh38, 1-based): chr14:23,405,276, G>C on the plus strand (C>G on the coding strand, the complement: MYH6 is on the minus strand). VCF-style: chr14-23405276-G-C. GRCh37 (hg19) VCF-style: chr14-23874485-G-C.
Other names: short protein forms A150G.
Identifiers: ClinVar variation 935896 (VCV000935896.9), dbSNP rs879175179, ClinGen allele CA257798672.

ClinVar aggregate classification (germline): Uncertain significance (1 of 4 stars; one submission).

Conditions:
Hypertrophic cardiomyopathy 14. Identifiers: MedGen C2750467, MONDO:0013197, OMIM 613251.

Submission:

Labcorp Genetics (formerly Invitae), Labcorp
Classification: Uncertain significance for Hypertrophic cardiomyopathy 14. Last evaluated: 2019-06-17. Review status: criteria provided, single submitter. Criteria: Invitae Variant Classification Sherloc (09022015). Collection method: clinical testing. Allele origin: germline.
Comment: In summary, the available evidence is currently insufficient to determine the role of this variant in disease. Therefore, it has been classified as a Variant of Uncertain Significance. Algorithms developed to predict the effect of missense changes on protein structure and function are either unavailable or do not agree on the potential impact of this missense change (SIFT: "Deleterious"; PolyPhen-2: "Benign"; Align-GVGD: "Class C0"). This variant has not been reported in the literature in individuals with MYH6-related conditions. This variant is not present in population databases (ExAC no frequency). This sequence change replaces alanine with glycine at codon 150 of the MYH6 protein (p.Ala150Gly). The alanine residue is weakly conserved and there is a small physicochemical difference between alanine and glycine.